The following is an entry in ClinVar:

ClinVar aggregate classification (germline): Uncertain significance (1 of 4 stars; one submission).

Submission:

GeneDx
Classification: Uncertain significance. Last evaluated: 2025-04-09. Review status: criteria provided, single submitter. Criteria: GeneDx Variant Classification Process June 2021. Collection method: clinical testing. Allele origin: germline. Affected: yes.
Comment: Not observed at significant frequency in large population cohorts (gnomAD); In silico analysis supports that this missense variant has a deleterious effect on protein structure/function; Has not been previously published as pathogenic or benign to our knowledge

NM_023110.3(FGFR1):c.535C>T (p.Pro179Ser)

Gene: FGFR1 (fibroblast growth factor receptor 1; minus strand). Cytogenetic location: 8p11.23.
Variant type: single nucleotide variant.
Coding change: c.535C>T on transcript NM_023110.3 (MANE Select); coding-DNA position 535, C replaced by T.
Protein change: p.Pro179Ser; replaces proline 179 with serine.
Molecular consequence: missense variant.
Genome position (GRCh38, 1-based): chr8:38,428,007, G>A on the plus strand (C>T on the coding strand, the complement: FGFR1 is on the minus strand). VCF-style: chr8-38428007-G-A. GRCh37 (hg19) VCF-style: chr8-38285525-G-A.
Other names: c.535C>T, p.Pro179Ser (NM_001174063.2); c.511C>T, p.Pro171Ser (NM_001174064.2); c.529C>T, p.Pro177Ser (NM_001174065.2, NM_001354367.2, NM_001354369.2 and 1 more transcripts); c.268C>T, p.Pro90Ser (NM_001174066.2, NM_023105.3); c.628C>T, p.Pro210Ser (NM_001174067.2); c.262C>T, p.Pro88Ser (NM_001354368.2, NM_001354370.2, NM_023106.3); short protein forms P171S, P177S, P179S, P210S, P88S, P90S.
Identifiers: ClinVar variation 1196038 (VCV001196038.3), dbSNP rs2150914279, ClinGen allele CA370735688.